The following is an entry in ClinVar:

ClinVar aggregate classification (germline): Uncertain significance (1 of 4 stars; one submission).

Allele frequency attached by ClinVar (database versions not stated): gnomAD exomes below 0.00001; ExAC 0.00001; gnomAD 0.00001; TOPMed 0.00002.

Submission:

Labcorp Genetics (formerly Invitae), Labcorp
Classification: Uncertain significance. Last evaluated: 2022-03-20. Review status: criteria provided, single submitter. Criteria: Invitae Variant Classification Sherloc (09022015). Collection method: clinical testing. Allele origin: germline.
Comment: In summary, the available evidence is currently insufficient to determine the role of this variant in disease. Therefore, it has been classified as a Variant of Uncertain Significance. Algorithms developed to predict the effect of missense changes on protein structure and function (SIFT, PolyPhen-2, Align-GVGD) all suggest that this variant is likely to be tolerated. This variant has not been reported in the literature in individuals affected with AGBL5-related conditions. This variant is present in population databases (rs756272815, gnomAD 0.01%). This sequence change replaces valine, which is neutral and non-polar, with isoleucine, which is neutral and non-polar, at codon 525 of the AGBL5 protein (p.Val525Ile).

NM_021831.6(AGBL5):c.1573G>A (p.Val525Ile)

Gene: AGBL5 (AGBL carboxypeptidase 5; plus strand). Cytogenetic location: 2p23.3.
Variant type: single nucleotide variant.
Coding change: c.1573G>A on transcript NM_021831.6 (MANE Select); coding-DNA position 1573, G replaced by A.
Protein change: p.Val525Ile; replaces valine 525 with isoleucine.
Molecular consequence: missense variant. On other transcripts: non-coding transcript variant (2).
Genome position (GRCh38, 1-based): chr2:27,057,340, G>A. VCF-style: chr2-27057340-G-A. GRCh37 (hg19) VCF-style: chr2-27280208-G-A.
Other names: c.1573G>A, p.Val525Ile (NM_001035506.1, NM_001035507.3); short protein forms V525I.
Identifiers: ClinVar variation 1947020 (VCV001947020.5), dbSNP rs756272815, ClinGen allele CA1567908.